The following is an entry in ClinVar:

ClinVar aggregate classification (germline): Uncertain significance (1 of 4 stars; one submission).

Conditions:
Myofibrillar myopathy 5. Also called: Filaminopathy (type); FILAMINOPATHY, AUTOSOMAL DOMINANT. Identifiers: Orphanet 171445, MedGen C1836050, MONDO:0012289, OMIM 609524.
Distal myopathy with posterior leg and anterior hand involvement. Also called: WILLIAMS DISTAL MYOPATHY. Identifiers: Orphanet 63273, MedGen C3279722, MONDO:0013550, OMIM 614065.
Hypertrophic cardiomyopathy 26. Also called: Cardiomyopathy, familial hypertrophic, 26. Identifiers: Orphanet 75249, MedGen C4310749, MONDO:0014883, OMIM 617047.

Submission:

Labcorp Genetics (formerly Invitae), Labcorp
Classification: Uncertain significance for Distal myopathy with posterior leg and anterior hand involvement; Myofibrillar myopathy 5; Hypertrophic cardiomyopathy 26. Last evaluated: 2024-09-06. Review status: criteria provided, single submitter. Criteria: Invitae Variant Classification Sherloc (09022015). Collection method: clinical testing. Allele origin: germline.
Comment: This sequence change replaces serine, which is neutral and polar, with arginine, which is basic and polar, at codon 954 of the FLNC protein (p.Ser954Arg). This variant is not present in population databases (gnomAD no frequency). This variant has not been reported in the literature in individuals affected with FLNC-related conditions. ClinVar contains an entry for this variant (Variation ID: 961641). Invitae Evidence Modeling of protein sequence and biophysical properties (such as structural, functional, and spatial information, amino acid conservation, physicochemical variation, residue mobility, and thermodynamic stability) has been performed for this missense variant. However, the output from this modeling did not meet the statistical confidence thresholds required to predict the impact of this variant on FLNC protein function. In summary, the available evidence is currently insufficient to determine the role of this variant in disease. Therefore, it has been classified as a Variant of Uncertain Significance.

NM_001458.5(FLNC):c.2862C>G (p.Ser954Arg)

Gene: FLNC (filamin C; plus strand). Cytogenetic location: 7q32.1.
Variant type: single nucleotide variant.
Coding change: c.2862C>G on transcript NM_001458.5 (MANE Select); coding-DNA position 2862, C replaced by G.
Protein change: p.Ser954Arg; replaces serine 954 with arginine.
Molecular consequence: missense variant.
Genome position (GRCh38, 1-based): chr7:128,843,846, C>G. VCF-style: chr7-128843846-C-G. GRCh37 (hg19) VCF-style: chr7-128483900-C-G.
Other names: c.2862C>G, p.Ser954Arg (NM_001127487.2); short protein forms S954R.
Identifiers: ClinVar variation 961641 (VCV000961641.10), dbSNP rs766581831, ClinGen allele CA369193446.